The following is an entry in ClinVar:

ClinVar aggregate classification (germline): Uncertain significance (1 of 4 stars; one submission).

gnomAD v4.1: 88 of 1,613,270 alleles (0.0055%); highest among the groups gnomAD compares: Non-Finnish European, 0.0074%; no homozygotes.

Submission:

GeneDx
Classification: Uncertain significance. Last evaluated: 2024-08-13. Review status: criteria provided, single submitter. Criteria: GeneDx Variant Classification Process June 2021. Collection method: clinical testing. Allele origin: germline. Affected: yes.
Comment: Reported previously as a likely pathogenic variant in a cohort of patients who received genetic testing; however, no clinical information was provided (PMID: 35869530); In silico analysis supports that this missense variant has a deleterious effect on protein structure/function; Not observed at significant frequency in large population cohorts (gnomAD); This variant is associated with the following publications: (PMID: 35869530)

NM_017791.3(FLVCR2):c.1327A>T (p.Asn443Tyr)

Gene: FLVCR2 (FLVCR choline and putative heme transporter 2; plus strand). Cytogenetic location: 14q24.3.
Variant type: single nucleotide variant.
Coding change: c.1327A>T on transcript NM_017791.3 (MANE Select); coding-DNA position 1327, A replaced by T.
Protein change: p.Asn443Tyr; replaces asparagine 443 with tyrosine.
Molecular consequence: missense variant.
Genome position (GRCh38, 1-based): chr14:75,641,046, A>T. VCF-style: chr14-75641046-A-T. GRCh37 (hg19) VCF-style: chr14-76107389-A-T.
Other names: c.712A>T, p.Asn238Tyr (NM_001195283.2); short protein forms N238Y, N443Y.
Identifiers: ClinVar variation 3730929 (VCV003730929.1).